The following is an entry in ClinVar:

ClinVar aggregate classification (germline): Uncertain significance (1 of 4 stars; one submission).

Conditions:
Hereditary cancer-predisposing syndrome. Also called: Tumor predisposition; Hereditary Cancer Syndrome; Neoplastic Syndromes, Hereditary; Hereditary neoplastic syndrome. Identifiers: Orphanet 140162, MedGen C0027672, MeSH D009386, MONDO:0015356.

Submission:

Ambry Genetics
Classification: Uncertain significance for Hereditary cancer-predisposing syndrome. Last evaluated: 2024-09-13. Review status: criteria provided, single submitter. Criteria: Ambry Variant Classification Scheme 2023. Collection method: clinical testing. Allele origin: germline.
Comment: The c.7376_7378dupGTA variant (also known as p.R2459_K2460insS), located in coding exon 49 of the ATM gene, results from an in-frame duplication of GTA at nucleotide positions 7376 to 7378. This results in the in-frame insertion of a serine of a residue between codons 2459 and 2460. This amino acid region is generally well conserved in available vertebrate species. In addition, this alteration is predicted to be deleterious by in silico analysis (Choi Y et al. PLoS ONE. 2012; 7(10):e46688). Based on the available evidence, the clinical significance of this variant remains unclear.

NM_000051.4(ATM):c.7376_7378dup (p.Arg2459_Lys2460insSer)

Genes: ATM (ATM serine/threonine kinase; plus strand), C11orf65 (chromosome 11 open reading frame 65; minus strand). Cytogenetic location: 11q22.3.
Variant type: Duplication.
Coding change: c.7376_7378dup on transcript NM_000051.4 (MANE Select); coding-DNA positions 7376 to 7378, 3 bases duplicated (GTA; older notation c.7376_7378dupGTA).
Protein change: p.Arg2459_Lys2460insSer.
Molecular consequence: inframe insertion. On other transcripts: intron variant (2), inframe indel (1).
Genome position (GRCh38, 1-based): chr11:108,330,282-108,330,284, GTA duplicated. VCF-style (leftmost placement, unchanged base first): chr11-108330281-C-CGTA. GRCh37 (hg19) VCF-style: chr11-108201008-C-CGTA.
Other names: c.7376_7378dup, p.Arg2459_Lys2460insSer (NM_001351834.2); c.641-21213_641-21211dup (NM_001330368.2); c.*38+4936_*38+4938dup (NM_001351110.2); c.7376_7378dupGTA (NM_000051.3).
Identifiers: ClinVar variation 3450972 (VCV003450972.1).